The following is an entry in ClinVar:

ClinVar aggregate classification (germline): Uncertain significance (0 of 4 stars; one submission).

Submission:

Richard Lifton Laboratory, Yale University School of Medicine
Classification: Uncertain significance. Review status: no assertion criteria provided. Collection method: not provided. Allele origin: somatic.
Comment: GMPR2
ClinVar note: Converted during submission from unknown to Uncertain significance.

NM_001002002.3(GMPR2):c.812C>T (p.Ser271Phe)

Gene: GMPR2 (guanosine monophosphate reductase 2; plus strand). Cytogenetic location: 14q12.
Variant type: single nucleotide variant.
Coding change: c.812C>T on transcript NM_001002002.3 (MANE Select); coding-DNA position 812, C replaced by T.
Protein change: p.Ser271Phe; replaces serine 271 with phenylalanine.
Molecular consequence: missense variant. On other transcripts: non-coding transcript variant (1).
Genome position (GRCh38, 1-based): chr14:24,238,360, C>T. VCF-style: chr14-24238360-C-T. GRCh37 (hg19) VCF-style: chr14-24707566-C-T.
Other names: c.812C>T, p.Ser271Phe (NM_001002000.3, NM_001002001.3, NM_001351022.2 and 1 more transcripts); c.704C>T, p.Ser235Phe (NM_001283021.2, NM_001351024.2, NM_001351025.2 and 1 more transcripts); c.866C>T, p.Ser289Phe (NM_001283022.2, NM_016576.5); c.728C>T, p.Ser243Phe (NM_001283023.2); short protein forms S271F, S289F, S235F, S243F.
Identifiers: ClinVar variation 91918 (VCV000091918.2), dbSNP rs386352308, ClinGen allele CA232157.